The following is an entry in ClinVar:

NM_007294.4(BRCA1):c.4676-85G>A

Gene: BRCA1 (BRCA1 DNA repair associated; minus strand). Cytogenetic location: 17q21.31.
Variant type: single nucleotide variant.
Coding change: c.4676-85G>A on transcript NM_007294.4 (MANE Select); 85 bases into the intron before coding-DNA position 4676, G replaced by A.
Molecular consequence: intron variant.
Genome position (GRCh38, 1-based): chr17:43,071,323, C>T on the plus strand (G>A on the coding strand, the complement: BRCA1 is on the minus strand). VCF-style: chr17-43071323-C-T. GRCh37 (hg19) VCF-style: chr17-41223340-C-T.
Other names: c.1223-85G>A (NM_001408458.1, NM_001408465.1, NM_001408463.1 and 7 more transcripts); c.3785-85G>A (NM_001407967.1); c.4295-85G>A (NM_001407959.1); c.4409-85G>A (NM_001407931.1, NM_001407933.1, NM_001407927.1 and 4 more transcripts); c.4532-85G>A (NM_001407747.1, NM_001407733.1, NM_001407751.1 and 21 more transcripts); c.4292-85G>A (NM_001407962.1, NM_001407960.1); c.863-85G>A (NM_001408512.1); c.986-85G>A (NM_001408510.1); and 71 more.
Identifiers: ClinVar variation 1692972 (VCV001692972.4), dbSNP rs1189450557, ClinGen allele CA772170715.
Genomic context (GRCh38, chr17:43,071,323, plus strand): 5'-TTTACACAACGATGAATGTTGAATTACAAAGTTCTGGTCTCTGTTAAGAATTAAAAAGAC[C>T]AATAAAGTTAGGTTAAGAGAAAAATGGGTACATGAATACAGTGTTGGTGGAAATCCAAAG-3'

ClinVar aggregate classification (germline): Conflicting classifications of pathogenicity. Review status: criteria provided, conflicting classifications (1 of 4 stars). 2 submissions from 2 submitters: Uncertain significance (1); Likely benign (1). Last evaluated 2023-05-15.

Conditions:
Hereditary breast ovarian cancer syndrome. Also called: Hereditary breast and ovarian cancer syndrome; Breast and ovarian cancer; Hereditary breast and ovarian cancer; Hereditary breast and/or ovarian cancer syndrome; Hereditary breast and ovarian cancer syndrome (HBOC); BRCA1- and BRCA2-Associated Hereditary Breast and Ovarian Cancer. Identifiers: Orphanet 145, MedGen C0677776, MeSH D061325, MONDO:0003582. Disease mechanism: loss of function.
Hereditary cancer-predisposing syndrome. Also called: Hereditary neoplastic syndrome; Tumor predisposition; Neoplastic Syndromes, Hereditary; Hereditary Cancer Syndrome. Identifiers: Orphanet 140162, MedGen C0027672, MeSH D009386, MONDO:0015356.

gnomAD v4.1: 12 of 1,486,880 alleles (0.00081%); highest among the groups gnomAD compares: East Asian, 0.025%; no homozygotes.

Submissions (2):

Labcorp Genetics (formerly Invitae), Labcorp
Classification: Likely benign for Hereditary breast ovarian cancer syndrome. Last evaluated: 2023-05-15. Review status: criteria provided, single submitter. Criteria: Invitae Variant Classification Sherloc (09022015). Collection method: clinical testing. Allele origin: germline.

Sema4
Classification: Uncertain significance for Hereditary cancer-predisposing syndrome. Last evaluated: 2022-03-10. Review status: criteria provided, single submitter. Criteria: Sema4 Curation Guidelines. Collection method: curation. Allele origin: germline.
Comment: The BRCA1 c.4676-85G>A variant has been reported in heterozygosity in at least one individual with breast and/or ovarian cancer (PMID: 28351343). This variant is not reported in the population database Genome Aggregation Database (PMID: 32461654). The variant has not been reported in ClinVar. In silico tools suggest the variant may impact normal splicing, though these predictions have not been confirmed by functional studies. The evidence is insufficient to meet ACMG/AMP criteria for classifying the variant as benign or pathogenic. Thus, the clinical significance of this variant is currently uncertain.

Literature cited by the submitters: PubMed 28351343 (cited by Sema4).